The following is an entry in ClinVar:

NM_000092.5(COL4A4):c.619G>A (p.Ala207Thr)

Gene: COL4A4 (collagen type IV alpha 4 chain; minus strand). Cytogenetic location: 2q36.3.
Variant type: single nucleotide variant.
Coding change: c.619G>A on transcript NM_000092.5 (MANE Select); coding-DNA position 619, G replaced by A.
Protein change: p.Ala207Thr; replaces alanine 207 with threonine.
Molecular consequence: missense variant.
Genome position (GRCh38, 1-based): chr2:227,109,262, C>T on the plus strand (G>A on the coding strand, the complement: COL4A4 is on the minus strand). VCF-style: chr2-227109262-C-T. GRCh37 (hg19) VCF-style: chr2-227973978-C-T.
Other names: short protein forms A207T.
Identifiers: ClinVar variation 2854400 (VCV002854400.3), dbSNP rs867744208, ClinGen allele CA66569304.

ClinVar aggregate classification (germline): Uncertain significance (1 of 4 stars; one submission).

Submission:

Labcorp Genetics (formerly Invitae), Labcorp
Classification: Uncertain significance. Last evaluated: 2023-04-09. Review status: criteria provided, single submitter. Criteria: Invitae Variant Classification Sherloc (09022015). Collection method: clinical testing. Allele origin: germline.
Comment: This variant is not present in population databases (gnomAD no frequency). This sequence change replaces alanine, which is neutral and non-polar, with threonine, which is neutral and polar, at codon 207 of the COL4A4 protein (p.Ala207Thr). This variant has not been reported in the literature in individuals affected with COL4A4-related conditions. In summary, the available evidence is currently insufficient to determine the role of this variant in disease. Therefore, it has been classified as a Variant of Uncertain Significance. Advanced modeling of protein sequence and biophysical properties (such as structural, functional, and spatial information, amino acid conservation, physicochemical variation, residue mobility, and thermodynamic stability) performed at Invitae indicates that this missense variant is not expected to disrupt COL4A4 protein function.